The following is an entry in ClinVar:

ClinVar aggregate classification (germline): Uncertain significance. Review status: criteria provided, multiple submitters, no conflicts (2 of 4 stars). 2 submissions from 2 submitters: Uncertain significance (2). Last evaluated 2024-10-25.

Allele frequency attached by ClinVar (database versions not stated): gnomAD exomes below 0.00001.
gnomAD v4.1: 1 of 1,453,950 alleles (0.000069%); highest among the groups gnomAD compares: Non-Finnish European, 0.000093%; no homozygotes.

Submissions (2):

Blueprint Genetics
Classification: Uncertain significance. Last evaluated: 2024-10-25. Review status: criteria provided, single submitter. Criteria: ACMG Guidelines, 2015. Collection method: clinical testing. Allele origin: germline.

Labcorp Genetics (formerly Invitae), Labcorp
Classification: Uncertain significance. Last evaluated: 2021-04-23. Review status: criteria provided, single submitter. Criteria: Invitae Variant Classification Sherloc (09022015). Collection method: clinical testing. Allele origin: germline.
Comment: In summary, the available evidence is currently insufficient to determine the role of this variant in disease. Therefore, it has been classified as a Variant of Uncertain Significance. Algorithms developed to predict the effect of missense changes on protein structure and function (SIFT, PolyPhen-2, Align-GVGD) all suggest that this variant is likely to be disruptive, but these predictions have not been confirmed by published functional studies and their clinical significance is uncertain. This variant has not been reported in the literature in individuals with PLOD2-related conditions. This variant is not present in population databases (ExAC no frequency). This sequence change replaces methionine with lysine at codon 376 of the PLOD2 protein (p.Met376Lys). The methionine residue is highly conserved and there is a moderate physicochemical difference between methionine and lysine.

NM_182943.3(PLOD2):c.1127T>A (p.Met376Lys)

Gene: PLOD2 (procollagen-lysine,2-oxoglutarate 5-dioxygenase 2; minus strand). Cytogenetic location: 3q24.
Variant type: single nucleotide variant.
Coding change: c.1127T>A on transcript NM_182943.3 (MANE Select); coding-DNA position 1127, T replaced by A.
Protein change: p.Met376Lys; replaces methionine 376 with lysine.
Molecular consequence: missense variant.
Genome position (GRCh38, 1-based): chr3:146,086,787, A>T on the plus strand (T>A on the coding strand, the complement: PLOD2 is on the minus strand). VCF-style: chr3-146086787-A-T. GRCh37 (hg19) VCF-style: chr3-145804574-A-T.
Other names: c.1127T>A, p.Met376Lys (NM_000935.3); short protein forms M376K.
Identifiers: ClinVar variation 1370396 (VCV001370396.9), dbSNP rs1346310334, ClinGen allele CA354891625.